The following is an entry in ClinVar:

ClinVar aggregate classification (germline): Uncertain significance. Review status: criteria provided, multiple submitters, no conflicts (2 of 4 stars). 2 submissions from 2 submitters: Uncertain significance (2). Last evaluated 2024-09-09.

Conditions:
Juvenile polyposis syndrome (JPS). Identifiers: Orphanet 2929, MedGen C0345893, MONDO:0017380, OMIM 174900.
Hereditary cancer-predisposing syndrome. Also called: Neoplastic Syndromes, Hereditary; Tumor predisposition; Hereditary Cancer Syndrome; Hereditary neoplastic syndrome. Identifiers: Orphanet 140162, MedGen C0027672, MeSH D009386, MONDO:0015356.

Submissions (2):

Labcorp Genetics (formerly Invitae), Labcorp
Classification: Uncertain significance for Juvenile polyposis syndrome. Last evaluated: 2024-09-09. Review status: criteria provided, single submitter. Criteria: Invitae Variant Classification Sherloc (09022015). Collection method: clinical testing. Allele origin: germline.
Comment: This sequence change replaces isoleucine, which is neutral and non-polar, with threonine, which is neutral and polar, at codon 164 of the BMPR1A protein (p.Ile164Thr). This variant is not present in population databases (gnomAD no frequency). This variant has not been reported in the literature in individuals affected with BMPR1A-related conditions. ClinVar contains an entry for this variant (Variation ID: 1744114). Invitae Evidence Modeling of protein sequence and biophysical properties (such as structural, functional, and spatial information, amino acid conservation, physicochemical variation, residue mobility, and thermodynamic stability) indicates that this missense variant is not expected to disrupt BMPR1A protein function with a negative predictive value of 80%. In summary, the available evidence is currently insufficient to determine the role of this variant in disease. Therefore, it has been classified as a Variant of Uncertain Significance.

Ambry Genetics
Classification: Uncertain significance for Hereditary cancer-predisposing syndrome. Last evaluated: 2024-09-05. Review status: criteria provided, single submitter. Criteria: Ambry Variant Classification Scheme 2023. Collection method: clinical testing. Allele origin: germline.
Comment: The p.I164T variant (also known as c.491T>C), located in coding exon 5 of the BMPR1A gene, results from a T to C substitution at nucleotide position 491. The isoleucine at codon 164 is replaced by threonine, an amino acid with similar properties. This amino acid position is well conserved in available vertebrate species. In addition, the in silico prediction for this alteration is inconclusive. Based on the available evidence, the clinical significance of this variant remains unclear.

NM_004329.3(BMPR1A):c.491T>C (p.Ile164Thr)

Gene: BMPR1A (bone morphogenetic protein receptor type 1A; plus strand). Cytogenetic location: 10q23.2.
Variant type: single nucleotide variant.
Coding change: c.491T>C on transcript NM_004329.3 (MANE Select); coding-DNA position 491, T replaced by C.
Protein change: p.Ile164Thr; replaces isoleucine 164 with threonine.
Molecular consequence: missense variant.
Genome position (GRCh38, 1-based): chr10:86,900,087, T>C. VCF-style: chr10-86900087-T-C. GRCh37 (hg19) VCF-style: chr10-88659844-T-C.
Other names: c.491T>C, p.Ile164Thr (NM_001406559.1, NM_001406560.1, NM_001406561.1 and 22 more transcripts); c.407T>C, p.Ile136Thr (NM_001406584.1, NM_001406585.1, NM_001406586.1 and 2 more transcripts); short protein forms I136T, I164T.
Identifiers: ClinVar variation 1744114 (VCV001744114.5), dbSNP rs2539494851, ClinGen allele CA377450509.
Genomic context (GRCh38, chr10:86,900,087, plus strand): 5'-GTCCGTTTTTTGATGGCAGCATTCGATGGCTGGTTTTGCTCATTTCTATGGCTGTCTGCA[T>C]AATTGCTATGATCATCTTCTCCAGCTGCTTTTGTTACAAGTAAGAAGATATTTATTTTGA-3'
Protein context (NP_004320.2, residues 154-174): LVLLISMAVC[Ile164Thr]IAMIIFSSCF